The following is an entry in ClinVar:

ClinVar aggregate classification (germline): Uncertain significance (1 of 4 stars; one submission).

Conditions:
Hereditary cancer-predisposing syndrome. Also called: Tumor predisposition; Neoplastic Syndromes, Hereditary; Hereditary neoplastic syndrome; Hereditary Cancer Syndrome. Identifiers: Orphanet 140162, MedGen C0027672, MeSH D009386, MONDO:0015356.

Submission:

Ambry Genetics
Classification: Uncertain significance for Hereditary cancer-predisposing syndrome. Last evaluated: 2024-09-12. Review status: criteria provided, single submitter. Criteria: Ambry Variant Classification Scheme 2023. Collection method: clinical testing. Allele origin: germline.
Comment: The p.S1268N variant (also known as c.3803G>A), located in coding exon 26 of the SMARCA4 gene, results from a G to A substitution at nucleotide position 3803. The serine at codon 1268 is replaced by asparagine, an amino acid with highly similar properties. This amino acid position is conserved. In addition, this alteration is predicted to be tolerated by in silico analysis. Based on the available evidence, the clinical significance of this variant remains unclear.

NM_003072.5(SMARCA4):c.3803G>A (p.Ser1268Asn)

Gene: SMARCA4 (SWI/SNF related BAF chromatin remodeling complex subunit ATPase 4; plus strand). Cytogenetic location: 19p13.2.
Variant type: single nucleotide variant.
Coding change: c.3803G>A on transcript NM_003072.5 (MANE Select); coding-DNA position 3803, G replaced by A.
Protein change: p.Ser1268Asn; replaces serine 1268 with asparagine.
Molecular consequence: missense variant. On other transcripts: intron variant (6).
Genome position (GRCh38, 1-based): chr19:11,033,795, G>A. VCF-style: chr19-11033795-G-A. GRCh37 (hg19) VCF-style: chr19-11144471-G-A.
Other names: c.3803G>A, p.Ser1268Asn (NM_001128844.3, NM_001128849.3, NM_001387283.1); c.3774+278G>A (NM_001128847.4, NM_001411150.1, NM_001374457.1 and 3 more transcripts); short protein forms S1268N.
Identifiers: ClinVar variation 3446000 (VCV003446000.1).